The following is an entry in ClinVar:

ClinVar aggregate classification (germline): Likely pathogenic. Review status: criteria provided, multiple submitters, no conflicts (2 of 4 stars). 2 submissions from 2 submitters: Likely pathogenic (2). Last evaluated 2017-07-28.

Conditions:
Epilepsy, familial focal, with variable foci 1 (FFEVF1). Also called: DEPDC5-Related Epilepsy. Identifiers: MedGen C4551983, MONDO:0024556, OMIM 604364.

Submissions (2):

GeneDx
Classification: Likely pathogenic. Last evaluated: 2017-07-28. Review status: criteria provided, single submitter. Criteria: GeneDx Variant Classification (06012015). Collection method: clinical testing. Allele origin: germline. Affected: yes.
Comment: The c.946+1G>A variant in the DEPDC5 gene has not been reported previously as a pathogenic variant nor as a benign variant, to our knowledge. This splice site variant is predicted to destroy the canonical splice donor site in intron 14. It is predicted to cause abnormal gene splicing, either leading to an abnormal message that is subject to nonsense-mediated mRNA decay, or to an abnormal protein product if the message is used for protein translation. The c.946+1G>A variant is not observed in large population cohorts (Lek et al., 2016; 1000 Genomes Consortium et al., 2015; Exome Variant Server). We interpret c.946+1G>A as a likely pathogenic variant.

Clinical Genetics Service, Universitary Hospital 12 de Octubre
Classification: Likely pathogenic for Epilepsy, familial focal, with variable foci 1. Review status: criteria provided, single submitter. Criteria: ACMG Guidelines, 2015. Collection method: clinical testing. Allele origin: germline. Affected: yes.

NM_001242896.3(DEPDC5):c.946+1G>A

Gene: DEPDC5 (DEP domain containing 5, GATOR1 subcomplex subunit; plus strand). Cytogenetic location: 22q12.2.
Variant type: single nucleotide variant.
Coding change: c.946+1G>A on transcript NM_001242896.3 (MANE Select); the canonical splice donor site of the intron after coding-DNA position 946, G replaced by A.
Molecular consequence: splice donor variant.
Genome position (GRCh38, 1-based): chr22:31,798,657, G>A. VCF-style: chr22-31798657-G-A. GRCh37 (hg19) VCF-style: chr22-32194643-G-A.
Other names: c.946+1G>A (NM_001364318.2, NM_001136029.4, NM_014662.6 and 7 more transcripts); c.862+1G>A (NM_001369902.1, NM_001369901.1).
Identifiers: ClinVar variation 451025 (VCV000451025.3), dbSNP rs1556608580, ClinGen allele CA411291867.